The following is an entry in ClinVar:

ClinVar aggregate classification (germline): Uncertain significance. Review status: criteria provided, multiple submitters, no conflicts (2 of 4 stars). 3 submissions from 3 submitters: Uncertain significance (3). Last evaluated 2024-10-04.

Conditions:
Gastrointestinal defects and immunodeficiency syndrome 1 (GIDID1). Also called: Combined immunodeficiency-enteropathy spectrum. Identifiers: Orphanet 436252, MedGen C5968858, MONDO:0800030, OMIM 243150.
Inborn genetic diseases. Identifiers: MedGen C0950123, MeSH D030342.
Multiple gastrointestinal atresias. Also called: FAMILIAL INTESTINAL POLYATRESIA SYNDROME; Multiple intestinal atresia. Identifiers: Orphanet 2300, MedGen C0220744, MONDO:0009465.

Allele frequency attached by ClinVar (database versions not stated): gnomAD 0.00001; TOPMed 0.00003; ESP Exome Variant Server 0.00023.
gnomAD v4.1: 21 of 1,614,048 alleles (0.0013%); highest among the groups gnomAD compares: East Asian, 0.0067%; no homozygotes.

Submissions (3):

Ambry Genetics
Classification: Uncertain significance for Inborn genetic diseases. Last evaluated: 2024-10-04. Review status: criteria provided, single submitter. Criteria: Ambry Variant Classification Scheme 2023. Collection method: clinical testing. Allele origin: germline.

Labcorp Genetics (formerly Invitae), Labcorp
Classification: Uncertain significance for Multiple gastrointestinal atresias. Last evaluated: 2022-07-05. Review status: criteria provided, single submitter. Criteria: Invitae Variant Classification Sherloc (09022015). Collection method: clinical testing. Allele origin: germline.
Comment: This sequence change replaces arginine, which is basic and polar, with tryptophan, which is neutral and slightly polar, at codon 146 of the TTC7A protein (p.Arg146Trp). This variant is present in population databases (rs138592761, gnomAD 0.01%). This variant has not been reported in the literature in individuals affected with TTC7A-related conditions. ClinVar contains an entry for this variant (Variation ID: 1465106). Algorithms developed to predict the effect of missense changes on protein structure and function are either unavailable or do not agree on the potential impact of this missense change (SIFT: "Deleterious"; PolyPhen-2: "Probably Damaging"; Align-GVGD: "Class C0"). In summary, the available evidence is currently insufficient to determine the role of this variant in disease. Therefore, it has been classified as a Variant of Uncertain Significance.

Fulgent Genetics
Classification: Uncertain significance for Gastrointestinal defects and immunodeficiency syndrome 1. Last evaluated: 2021-10-19. Review status: criteria provided, single submitter. Criteria: ACMG Guidelines, 2015. Collection method: clinical testing. Allele origin: unknown.

NM_020458.4(TTC7A):c.436C>T (p.Arg146Trp)

Gene: TTC7A (tetratricopeptide repeat domain 7A; plus strand). Cytogenetic location: 2p21.
Variant type: single nucleotide variant.
Coding change: c.436C>T on transcript NM_020458.4 (MANE Select); coding-DNA position 436, C replaced by T.
Protein change: p.Arg146Trp; replaces arginine 146 with tryptophan.
Molecular consequence: missense variant. On other transcripts: 5 prime UTR variant (1).
Genome position (GRCh38, 1-based): chr2:46,956,926, C>T. VCF-style: chr2-46956926-C-T. GRCh37 (hg19) VCF-style: chr2-47184065-C-T.
Other names: c.436C>T (NM_020458.2); c.436C>T, p.Arg146Trp (NM_001288951.2); c.334C>T, p.Arg112Trp (NM_001288953.2); c.-469C>T (NM_001288955.2); short protein forms R112W, R146W.
Identifiers: ClinVar variation 1465106 (VCV001465106.7), dbSNP rs138592761, ClinGen allele CA1647157.